The following is an entry in ClinVar:

NM_033305.3(VPS13A):c.2984A>G (p.Asp995Gly)

Gene: VPS13A (vacuolar protein sorting 13 homolog A; plus strand). Cytogenetic location: 9q21.2.
Variant type: single nucleotide variant.
Coding change: c.2984A>G on transcript NM_033305.3 (MANE Select); coding-DNA position 2984, A replaced by G.
Protein change: p.Asp995Gly; replaces aspartic acid 995 with glycine.
Molecular consequence: missense variant.
Genome position (GRCh38, 1-based): chr9:77,282,140, A>G. VCF-style: chr9-77282140-A-G. GRCh37 (hg19) VCF-style: chr9-79897056-A-G.
Other names: c.2984A>G, p.Asp995Gly (NM_001018037.2, NM_001018038.3, NM_015186.4); short protein forms D995G.
Identifiers: ClinVar variation 3767413 (VCV003767413.2).

ClinVar aggregate classification (germline): Uncertain significance. Review status: criteria provided, multiple submitters, no conflicts (2 of 4 stars). 2 submissions from 2 submitters: Uncertain significance (2). Last evaluated 2025-01-22.

Conditions:
Inborn genetic diseases. Identifiers: MedGen C0950123, MeSH D030342.

gnomAD v4.1: 2 of 1,612,906 alleles (0.00012%); highest among the groups gnomAD compares: Non-Finnish European, 0.00017%; no homozygotes.

Submissions (2):

Ambry Genetics
Classification: Uncertain significance for Inborn genetic diseases. Last evaluated: 2025-01-22. Review status: criteria provided, single submitter. Criteria: Ambry Variant Classification Scheme 2023. Collection method: clinical testing. Allele origin: germline.

GeneDx
Classification: Uncertain significance. Last evaluated: 2024-09-04. Review status: criteria provided, single submitter. Criteria: GeneDx Variant Classification Process June 2021. Collection method: clinical testing. Allele origin: germline. Affected: yes.
Comment: Not observed at significant frequency in large population cohorts (gnomAD); In silico analysis supports that this missense variant has a deleterious effect on protein structure/function; Has not been previously published as pathogenic or benign to our knowledge